The following is an entry in ClinVar:

NM_001040142.2(SCN2A):c.3521-12C>T

Gene: SCN2A (sodium voltage-gated channel alpha subunit 2; plus strand). Cytogenetic location: 2q24.3.
Variant type: single nucleotide variant.
Coding change: c.3521-12C>T on transcript NM_001040142.2 (MANE Select); 12 bases into the intron before coding-DNA position 3521, C replaced by T.
Molecular consequence: intron variant.
Genome position (GRCh38, 1-based): chr2:165,367,205, C>T. VCF-style: chr2-165367205-C-T. GRCh37 (hg19) VCF-style: chr2-166223715-C-T.
Other names: c.3521-12C>T (NM_001040143.2, NM_001371246.1, NM_001371247.1 and 1 more transcripts).
Identifiers: ClinVar variation 510762 (VCV000510762.9), dbSNP rs370419172, ClinGen allele CA1940128.

ClinVar aggregate classification (germline): Likely benign. Review status: criteria provided, multiple submitters, no conflicts (2 of 4 stars). 2 submissions from 2 submitters: Likely benign (2). Last evaluated 2025-10-02.

Conditions:
Seizures, benign familial infantile, 3 (BFIS3). Also called: Familial neonatal seizures; CONVULSIONS, BENIGN FAMILIAL INFANTILE, 3. Identifiers: Orphanet 140927, Orphanet 306, MedGen C1843140, MONDO:0011904, OMIM 607745.
Developmental and epileptic encephalopathy, 11 (DEE11). Also called: Early infantile epileptic encephalopathy 11. Identifiers: Orphanet 1934, MedGen C3150987, MONDO:0013388, OMIM 613721.

Allele frequency attached by ClinVar (database versions not stated): gnomAD exomes below 0.00001 and 0.00001; ExAC 0.00003; gnomAD 0.00006 and 0.00007; TOPMed 0.00006; ESP Exome Variant Server 0.00015.
gnomAD v4.1: 15 of 1,613,422 alleles (0.00093%); highest among the groups gnomAD compares: African/African-American, 0.017%; no homozygotes.

Submissions (2):

Labcorp Genetics (formerly Invitae), Labcorp
Classification: Likely benign for Seizures, benign familial infantile, 3; Developmental and epileptic encephalopathy, 11. Last evaluated: 2025-10-02. Review status: criteria provided, single submitter. Criteria: Invitae Variant Classification Sherloc (09022015). Collection method: clinical testing. Allele origin: germline.

GeneDx
Classification: Likely benign. Last evaluated: 2017-07-14. Review status: criteria provided, single submitter. Criteria: GeneDx Variant Classification (06012015). Collection method: clinical testing. Allele origin: germline. Affected: yes.
Comment: This variant is considered likely benign or benign based on one or more of the following criteria: it is a conservative change, it occurs at a poorly conserved position in the protein, it is predicted to be benign by multiple in silico algorithms, and/or has population frequency not consistent with disease.